The following is an entry in ClinVar:

ClinVar aggregate classification (germline): Uncertain significance (1 of 4 stars; one submission).

Conditions:
NIK deficiency. Also called: Primary immunodeficiency with multifaceted aberrant lymphoid immunity. Identifiers: Orphanet 447731, MedGen C5680065, MONDO:0018642.

Submission:

Labcorp Genetics (formerly Invitae), Labcorp
Classification: Uncertain significance for NIK deficiency. Last evaluated: 2022-02-10. Review status: criteria provided, single submitter. Criteria: Invitae Variant Classification Sherloc (09022015). Collection method: clinical testing. Allele origin: germline.
Comment: This sequence change falls in intron 9 of the MAP3K14 gene. It does not directly change the encoded amino acid sequence of the MAP3K14 protein. It affects a nucleotide within the consensus splice site. This variant is not present in population databases (gnomAD no frequency). This variant has not been reported in the literature in individuals affected with MAP3K14-related conditions. Variants that disrupt the consensus splice site are a relatively common cause of aberrant splicing (PMID: 17576681, 9536098). Algorithms developed to predict the effect of sequence changes on RNA splicing suggest that this variant may disrupt the consensus splice site. In summary, the available evidence is currently insufficient to determine the role of this variant in disease. Therefore, it has been classified as a Variant of Uncertain Significance.

Literature cited by the submitters: PubMed 17576681; PubMed 9536098.

NM_003954.5(MAP3K14):c.1657+3_1657+168del

Gene: MAP3K14 (mitogen-activated protein kinase kinase kinase 14; minus strand). Cytogenetic location: 17q21.31.
Variant type: Deletion.
Coding change: c.1657+3_1657+168del on transcript NM_003954.5 (MANE Select); bases 3 to 168 of the intron after coding-DNA position 1657, 166 bases deleted.
Molecular consequence: splice donor variant.
Genome position (GRCh38, 1-based): chr17:45,273,335-45,273,500, 166 bases deleted. GRCh37 (hg19): chr17:43,350,704-43,350,869.
Identifiers: ClinVar variation 1418351 (VCV001418351.3), dbSNP rs2143789015, ClinGen allele CA2573153957.